The following is an entry in ClinVar:

NM_000384.3(APOB):c.8392G>T (p.Glu2798Ter)

Gene: APOB (apolipoprotein B; minus strand). Cytogenetic location: 2p24.1.
Variant type: single nucleotide variant.
Coding change: c.8392G>T on transcript NM_000384.3 (MANE Select); coding-DNA position 8392, G replaced by T.
Protein change: p.Glu2798Ter; replaces glutamic acid 2798 with a stop codon.
Molecular consequence: nonsense.
Genome position (GRCh38, 1-based): chr2:21,008,476, C>A on the plus strand (G>T on the coding strand, the complement: APOB is on the minus strand). VCF-style: chr2-21008476-C-A. GRCh37 (hg19) VCF-style: chr2-21231348-C-A.
Other names: short protein forms E2798*.
Identifiers: ClinVar variation 843259 (VCV000843259.51), dbSNP rs923192918, ClinGen allele CA43500607.
Genomic context (GRCh38, chr2:21,008,476, plus strand): 5'-TAGGGTTTGAGAGTTGTGCATTTGCTTGAAAATCAAAATTGAGAACTTCTAATTTGGACT[C>A]TCCTTTGGCAGTGATGGAAGCTGCGATACCTGCTTCGTTTGCTGAGGTGGTTCCATTCCC-3'

ClinVar aggregate classification (germline): Pathogenic. Review status: criteria provided, multiple submitters, no conflicts (2 of 4 stars). 2 submissions from 2 submitters: Pathogenic (2). Last evaluated 2022-05-31.

Conditions:
Hypercholesterolemia, autosomal dominant, type B (FHCL2). Also called: Hyperlipoproteinemia Type IIb; Familial hypercholesterolemia 2; APOB-Related Familial Hypercholesterolemia, Autosomal Dominant; Familial Hypercholesterolemia Type B; APOLIPOPROTEIN B-100, FAMILIAL DEFECTIVE; APOLIPOPROTEIN B-100, FAMILIAL LIGAND-DEFECTIVE. Identifiers: MedGen C1704417, MONDO:0007751, OMIM 144010.
Familial hypobetalipoproteinemia 1. Also called: Hypobetalipoproteinemia, normotriglyceridemic; Acanthocytosis with hypobetalipoproteinemia; APOB-Related Familial Hypobetalipoproteinemia. Identifiers: MedGen C4551990, MONDO:0014252, OMIM 615558.

Allele frequency attached by ClinVar (database versions not stated): gnomAD 0.00001; TOPMed 0.00002.
gnomAD v4.1: 1 of 1,613,976 alleles (0.000062%); highest among the groups gnomAD compares: Non-Finnish European, 0.000085%; no homozygotes.

Submissions (2):

Revvity Omics, Revvity
Classification: Pathogenic. Last evaluated: 2022-05-31. Review status: criteria provided, single submitter. Criteria: ACMG Guidelines, 2015. Collection method: clinical testing. Allele origin: germline.

Labcorp Genetics (formerly Invitae), Labcorp
Classification: Pathogenic for Familial hypobetalipoproteinemia 1; Hypercholesterolemia, autosomal dominant, type B. Last evaluated: 2019-12-27. Review status: criteria provided, single submitter. Criteria: Invitae Variant Classification Sherloc (09022015). Collection method: clinical testing. Allele origin: germline.
Comment: This sequence change creates a premature translational stop signal (p.Glu2798*) in the APOB gene. It is expected to result in an absent or disrupted protein product. For these reasons, this variant has been classified as Pathogenic. Loss-of-function variants in APOB are known to be pathogenic (PMID: 20032471). This variant has not been reported in the literature in individuals with APOB-related conditions. This variant is not present in population databases (ExAC no frequency).

Literature cited by the submitters: PubMed 20032471 (cited by Labcorp Genetics (formerly Invitae), Labcorp).